The following is an entry in ClinVar:

NM_000361.3(THBD):c.1427T>G (p.Ile476Ser)

Gene: THBD (thrombomodulin; minus strand). Cytogenetic location: 20p11.21.
Variant type: single nucleotide variant.
Coding change: c.1427T>G on transcript NM_000361.3 (MANE Select); coding-DNA position 1427, T replaced by G.
Protein change: p.Ile476Ser; replaces isoleucine 476 with serine.
Molecular consequence: missense variant.
Genome position (GRCh38, 1-based): chr20:23,048,078, A>C on the plus strand (T>G on the coding strand, the complement: THBD is on the minus strand). VCF-style: chr20-23048078-A-C. GRCh37 (hg19) VCF-style: chr20-23028715-A-C.
Other names: short protein forms I476S.
Identifiers: ClinVar variation 2514770 (VCV002514770.5), dbSNP rs760490065, ClinGen allele CA313550667.

ClinVar aggregate classification (germline): Uncertain significance. Review status: criteria provided, multiple submitters, no conflicts (2 of 4 stars). 2 submissions from 2 submitters: Uncertain significance (2). Last evaluated 2025-11-24.

Conditions:
Inborn genetic diseases. Identifiers: MedGen C0950123, MeSH D030342.

Allele frequency attached by ClinVar (database versions not stated): gnomAD 0.00001; TOPMed 0.00002.

Submissions (2):

Labcorp Genetics (formerly Invitae), Labcorp
Classification: Uncertain significance. Last evaluated: 2025-11-24. Review status: criteria provided, single submitter. Criteria: Invitae Variant Classification Sherloc (09022015). Collection method: clinical testing. Allele origin: germline.
Comment: This sequence change replaces isoleucine, which is neutral and non-polar, with serine, which is neutral and polar, at codon 476 of the THBD protein (p.Ile476Ser). This variant is present in population databases (no rsID available, gnomAD 0.004%). This variant has not been reported in the literature in individuals affected with THBD-related conditions. ClinVar contains an entry for this variant (Variation ID: 2514770). An algorithm developed to predict the effect of missense changes on protein structure and function (PolyPhen-2) suggests that this variant is likely to be tolerated. In summary, the available evidence is currently insufficient to determine the role of this variant in disease. Therefore, it has been classified as a Variant of Uncertain Significance.

Ambry Genetics
Classification: Uncertain significance for Inborn genetic diseases. Last evaluated: 2023-05-24. Review status: criteria provided, single submitter. Criteria: Ambry Variant Classification Scheme 2023. Collection method: clinical testing. Allele origin: germline.